The following is an entry in ClinVar:

NM_032043.3(BRIP1):c.2493-3T>G

Gene: BRIP1 (BRCA1 interacting DNA helicase 1; minus strand). Cytogenetic location: 17q23.2.
Variant type: single nucleotide variant.
Coding change: c.2493-3T>G on transcript NM_032043.3 (MANE Select); 3 bases into the intron before coding-DNA position 2493, T replaced by G.
Molecular consequence: intron variant.
Genome position (GRCh38, 1-based): chr17:61,693,515, A>C on the plus strand (T>G on the coding strand, the complement: BRIP1 is on the minus strand). VCF-style: chr17-61693515-A-C. GRCh37 (hg19) VCF-style: chr17-59770876-A-C.
Identifiers: ClinVar variation 1046387 (VCV001046387.10), dbSNP rs2061479378, ClinGen allele CA2269135102.

ClinVar aggregate classification (germline): Uncertain significance (1 of 4 stars; one submission).

Conditions:
Fanconi anemia complementation group J. Also called: BRIP1-Related Fanconi Anemia. Identifiers: Orphanet 84, MedGen C1836860, MONDO:0012187, OMIM 609054.
Familial cancer of breast. Also called: BREAST CANCER, FAMILIAL; Hereditary breast cancer; hereditary breast carcinoma. Identifiers: Orphanet 227535, MedGen C0346153, MONDO:0016419, OMIM 114480. Disease mechanism: loss of function.

Submission:

Labcorp Genetics (formerly Invitae), Labcorp
Classification: Uncertain significance for Familial cancer of breast; Fanconi anemia complementation group J. Last evaluated: 2020-02-15. Review status: criteria provided, single submitter. Criteria: Invitae Variant Classification Sherloc (09022015). Collection method: clinical testing. Allele origin: germline.
Comment: This sequence change falls in intron 17 of the BRIP1 gene. It does not directly change the encoded amino acid sequence of the BRIP1 protein, but it affects a nucleotide within the consensus splice site of the intron. This variant is not present in population databases (ExAC no frequency). This variant has not been reported in the literature in individuals with BRIP1-related conditions. Nucleotide substitutions within the consensus splice site are a relatively common cause of aberrant splicing (PMID: 17576681, 9536098). Algorithms developed to predict the effect of sequence changes on RNA splicing suggest that this variant may disrupt the consensus splice site, but this prediction has not been confirmed by published transcriptional studies. In summary, the available evidence is currently insufficient to determine the role of this variant in disease. Therefore, it has been classified as a Variant of Uncertain Significance.

Literature cited by the submitters: PubMed 17576681; PubMed 9536098.